The following is an entry in ClinVar:

NM_000235.4(LIPA):c.883C>A (p.His295Asn)

Gene: LIPA (lipase A, lysosomal acid type; minus strand). Cytogenetic location: 10q23.31.
Variant type: single nucleotide variant.
Coding change: c.883C>A on transcript NM_000235.4 (MANE Select); coding-DNA position 883, C replaced by A.
Protein change: p.His295Asn; replaces histidine 295 with asparagine.
Molecular consequence: missense variant.
Genome position (GRCh38, 1-based): chr10:89,222,522, G>T on the plus strand (C>A on the coding strand, the complement: LIPA is on the minus strand). VCF-style: chr10-89222522-G-T. GRCh37 (hg19) VCF-style: chr10-90982279-G-T.
Other names: c.883C>A, p.His295Asn (NM_001127605.3); c.535C>A, p.His179Asn (NM_001288979.2); short protein forms H179N, H295N.
Identifiers: ClinVar variation 3339391 (VCV003339391.2).

ClinVar aggregate classification (germline): Likely pathogenic (1 of 4 stars; one submission).

Conditions:
Cholesteryl ester storage disease (CESD). Also called: Childhood/Adult-Onset LAL-D (Cholesterol Ester Storage Disease [CESD]). Identifiers: Orphanet 75234, MedGen C0008384, MONDO:0019149, OMIM 278000.

Submission:

Women's Health and Genetics/Laboratory Corporation of America, LabCorp
Classification: Likely pathogenic for Cholesteryl ester storage disease. Last evaluated: 2025-07-11. Review status: criteria provided, single submitter. Criteria: LabCorp Variant Classification Summary - May 2015. Collection method: clinical testing. Allele origin: germline.
Comment: Variant summary: LIPA c.883C>A (p.His295Asn) results in a conservative amino acid change located in the Alpha/beta hydrolase fold-1 domain (IPR000073) of the encoded protein sequence. Algorithms developed to predict the effect of missense changes on protein structure and function are either unavailable or do not agree on the potential impact of this missense change. The variant was absent in 251260 control chromosomes. c.883C>A has been observed in individual(s) affected with Cholesteryl ester storage disease (Ramakrishna_2022). These data indicate that the variant may be associated with disease. A different variant affecting the same codon has been classified as likely pathogenic by our lab (c.883C>T, p.His295Tyr), supporting the critical relevance of codon 295 to LIPA protein function. To our knowledge, no experimental evidence demonstrating an impact on protein function has been reported. The following publications have been ascertained in the context of this evaluation (PMID: 35614200, 35535100). ClinVar contains an entry for this variant (Variation ID: 3339391). Based on the evidence outlined above, the variant was classified as likely pathogenic.

Literature cited by the submitters: PubMed 35614200; PubMed 35535100.